The following is an entry in ClinVar:

NM_014363.6(SACS):c.13614C>A (p.Tyr4538Ter)

Gene: SACS (sacsin molecular chaperone; minus strand). Cytogenetic location: 13q12.12.
Variant type: single nucleotide variant.
Coding change: c.13614C>A on transcript NM_014363.6 (MANE Select); coding-DNA position 13614, C replaced by A.
Protein change: p.Tyr4538Ter; replaces tyrosine 4538 with a stop codon.
Molecular consequence: nonsense.
Genome position (GRCh38, 1-based): chr13:23,330,262, G>T on the plus strand (C>A on the coding strand, the complement: SACS is on the minus strand). VCF-style: chr13-23330262-G-T. GRCh37 (hg19) VCF-style: chr13-23904401-G-T.
Other names: c.13173C>A, p.Tyr4391Ter (NM_001278055.2); short protein forms Y4538*, Y4391*.
Identifiers: ClinVar variation 842578 (VCV000842578.9), dbSNP rs927804920, ClinGen allele CA387504868.
Genomic context (GRCh38, chr13:23,330,262, plus strand): 5'-CATAGCAACCTCAGAAGTGAACCTGTCATTTGGGATCTGAGGAAAGGGAAGCAAATCAGG[G>T]TATCTTGTTTTTAAACTGTCTACACCATAAGCTTCCAATGTGTGAACATCATTTGTCAGT-3'

ClinVar aggregate classification (germline): Pathogenic/Likely pathogenic. Review status: criteria provided, multiple submitters, no conflicts (2 of 4 stars). 3 submissions from 3 submitters: Pathogenic (1); Likely pathogenic (1). 1 of the submissions does not count toward it. Last evaluated 2024-05-19.

Conditions:
Spastic paraplegia. Identifiers: MedGen C0037772, HP:0001258.
Charlevoix-Saguenay spastic ataxia (SACS). Also called: SPASTIC ATAXIA 6, AUTOSOMAL RECESSIVE; AUTOSOMAL RECESSIVE SPASTIC ATAXIA OF CHARLEVOIX-SAGUENAY; Spastic ataxia of Charlevoix-Saguenay. Identifiers: Orphanet 98, MedGen C1849140, MONDO:0010041, OMIM 270550.

gnomAD v4.1: 1 of 1,614,148 alleles (0.000062%); highest among the groups gnomAD compares: Non-Finnish European, 0.000085%; no homozygotes.

Submissions (3):

Fulgent Genetics
Classification: Likely pathogenic for Charlevoix-Saguenay spastic ataxia. Last evaluated: 2024-05-19. Review status: criteria provided, single submitter. Criteria: ACMG Guidelines, 2015. Collection method: clinical testing. Allele origin: germline.

Labcorp Genetics (formerly Invitae), Labcorp
Classification: Pathogenic for Spastic paraplegia. Last evaluated: 2024-01-07. Review status: criteria provided, single submitter. Criteria: Invitae Variant Classification Sherloc (09022015). Collection method: clinical testing. Allele origin: germline.
Comment: This sequence change creates a premature translational stop signal (p.Tyr4538*) in the SACS gene. While this is not anticipated to result in nonsense mediated decay, it is expected to disrupt the last 42 amino acid(s) of the SACS protein. This variant is not present in population databases (gnomAD no frequency). This variant has not been reported in the literature in individuals affected with SACS-related conditions. ClinVar contains an entry for this variant (Variation ID: 842578). This variant disrupts a region of the SACS protein in which other variant(s) (p.Asn4549Asp) have been determined to be pathogenic (PMID: 15156359, 21507954). This suggests that this is a clinically significant region of the protein, and that variants that disrupt it are likely to be disease-causing. For these reasons, this variant has been classified as Pathogenic.

Natera, Inc.
Classification: Likely pathogenic for Charlevoix-Saguenay type spastic ataxia. Last evaluated: 2021-06-04. Review status: no assertion criteria provided. Collection method: clinical testing. Allele origin: germline. Not counted in ClinVar's aggregate classification.

Literature cited by the submitters: PubMed 15156359 (cited by Labcorp Genetics (formerly Invitae), Labcorp); PubMed 21507954 (cited by Labcorp Genetics (formerly Invitae), Labcorp).